The following is an entry in ClinVar:

ClinVar aggregate classification (germline): Uncertain significance (0 of 4 stars; one submission).

Conditions:
IFT74-related disorder. Also called: IFT74-related condition; IFT74-Related Disorders.

Submission:

PreventionGenetics, part of Exact Sciences
Classification: Uncertain significance for IFT74-related condition. Last evaluated: 2024-02-12. Review status: no assertion criteria provided. Collection method: clinical testing. Allele origin: germline.
Comment: The IFT74 c.597A>T variant is predicted to result in the amino acid substitution p.Lys199Asn. To our knowledge, this variant has not been reported in the literature or in a large population database, indicating this variant is rare. At this time, the clinical significance of this variant is uncertain due to the absence of conclusive functional and genetic evidence.

NM_025103.4(IFT74):c.597A>T (p.Lys199Asn)

Gene: IFT74 (intraflagellar transport 74; plus strand). Cytogenetic location: 9p21.2.
Variant type: single nucleotide variant.
Coding change: c.597A>T on transcript NM_025103.4 (MANE Select); coding-DNA position 597, A replaced by T.
Protein change: p.Lys199Asn; replaces lysine 199 with asparagine.
Molecular consequence: missense variant.
Genome position (GRCh38, 1-based): chr9:27,009,029, A>T. VCF-style: chr9-27009029-A-T. GRCh37 (hg19) VCF-style: chr9-27009027-A-T.
Other names: c.597A>T, p.Lys199Asn (NM_001099222.3, NM_001099223.3, NM_001099224.3 and 1 more transcripts); short protein forms K199N.
Identifiers: ClinVar variation 3348125 (VCV003348125.1).
Genomic context (GRCh38, chr9:27,009,029, plus strand): 5'-ATATTTTTTCCTCAATATAGTATCAGGAATATTACGTGCTTCTGATTTTAGGAAAGAAAA[A>T]CAAATCAGAAGTGTCGAAGAAGAAATTGAACAGGAAAAACAAGCAACAGATGACATTATC-3'
Protein context (NP_079379.2, residues 189-209): VIFTERQAKE[Lys199Asn]QIRSVEEEIE